The following is an entry in ClinVar:

NM_015908.6(SRRT):c.357C>T (p.Asp119=)

Gene: SRRT (serrate, RNA effector molecule; plus strand). Cytogenetic location: 7q22.1.
Variant type: single nucleotide variant.
Coding change: c.357C>T on transcript NM_015908.6 (MANE Select); coding-DNA position 357, C replaced by T.
Protein change: p.Asp119=; no amino-acid change (aspartic acid 119 retained).
Molecular consequence: synonymous variant.
Genome position (GRCh38, 1-based): chr7:100,881,764, C>T. VCF-style: chr7-100881764-C-T. GRCh37 (hg19) VCF-style: chr7-100479385-C-T.
Other names: c.357C>T, p.Asp119= (NM_001128852.2, NM_001128853.2, NM_001128854.2).
Identifiers: ClinVar variation 2657775 (VCV002657775.24), dbSNP rs144415744, ClinGen allele CA4395108.

ClinVar aggregate classification (germline): Likely benign (1 of 4 stars; one submission).

Allele frequency attached by ClinVar (database versions not stated): 1000 Genomes Project 0.00160; 1000 Genomes Project 30x 0.00172; ESP Exome Variant Server 0.00185.

Submission:

CeGaT Center for Human Genetics Tuebingen
Classification: Likely benign. Last evaluated: 2023-03-01. Review status: criteria provided, single submitter. Criteria: CeGaT Center For Human Genetics Tuebingen Variant Classification Criteria Version 2. Collection method: clinical testing. Allele origin: germline. Affected: yes. Observed: 1 variant allele.
Comment: SRRT: BP4, BP7, BS2